The following is an entry in ClinVar:

ClinVar aggregate classification (germline): Pathogenic (1 of 4 stars; one submission).

Conditions:
Cerebral cavernous malformation (CCM). Also called: CAVERNOUS ANGIOMA, FAMILIAL; CAVERNOUS ANGIOMATOUS MALFORMATIONS; CEREBRAL CAPILLARY MALFORMATIONS; Cerebral cavernous hemangioma (type); Cavernous Hemangioma of Brain; Cerebral cavernous malformations. Identifiers: Orphanet 221061, MedGen C2919945, MONDO:0000820, OMIM 116860, HP:0033522.

Submission:

Labcorp Genetics (formerly Invitae), Labcorp
Classification: Pathogenic for Cerebral cavernous malformation. Last evaluated: 2022-11-19. Review status: criteria provided, single submitter. Criteria: Invitae Variant Classification Sherloc (09022015). Collection method: clinical testing. Allele origin: germline.
Comment: For these reasons, this variant has been classified as Pathogenic. Variants that disrupt the consensus splice site are a relatively common cause of aberrant splicing (PMID: 17576681, 9536098). Studies have shown that disruption of this splice site results in inclusion of intron 19 and introduces a new termination codon (PMID: 18300272). However the mRNA is not expected to undergo nonsense-mediated decay. This sequence change affects an acceptor splice site in intron 19 of the KRIT1 gene. RNA analysis indicates that disruption of this splice site induces altered splicing and likely disrupts the C-terminus of the protein. This variant is not present in population databases (gnomAD no frequency). Disruption of this splice site has been observed in individual(s) with cerebral cavernous malformations (PMID: 18300272). In at least one individual the variant was observed to be de novo.

Literature cited by the submitters: PubMed 17576681; PubMed 9536098; PubMed 18300272.

NM_194454.3(KRIT1):c.2143-2A>T

Gene: KRIT1 (KRIT1 ankyrin repeat containing; minus strand). Cytogenetic location: 7q21.2.
Variant type: single nucleotide variant.
Coding change: c.2143-2A>T on transcript NM_194454.3 (MANE Select); the canonical splice acceptor site of the intron before coding-DNA position 2143, A replaced by T.
Molecular consequence: splice acceptor variant.
Genome position (GRCh38, 1-based): chr7:92,200,806, T>A on the plus strand (A>T on the coding strand, the complement: KRIT1 is on the minus strand). VCF-style: chr7-92200806-T-A. GRCh37 (hg19) VCF-style: chr7-91830120-T-A.
Other names: c.2143-2A>T (NM_001350672.1, NM_001350676.1, NM_001350673.1 and 26 more transcripts); c.1999-2A>T (NM_001350669.1, NM_001013406.2, NM_001350670.1); c.1429-2A>T (NM_001350671.1).
Identifiers: ClinVar variation 2002367 (VCV002002367.4), dbSNP rs2535507304, ClinGen allele CA368166253.